The following is an entry in ClinVar:

NM_006904.7(PRKDC):c.4388T>G (p.Leu1463Arg)

Gene: PRKDC (protein kinase, DNA-activated, catalytic subunit; minus strand). Cytogenetic location: 8q11.21.
Variant type: single nucleotide variant.
Coding change: c.4388T>G on transcript NM_006904.7 (MANE Select); coding-DNA position 4388, T replaced by G.
Protein change: p.Leu1463Arg; replaces leucine 1463 with arginine.
Molecular consequence: missense variant.
Genome position (GRCh38, 1-based): chr8:47,888,543, A>C on the plus strand (T>G on the coding strand, the complement: PRKDC is on the minus strand). VCF-style: chr8-47888543-A-C. GRCh37 (hg19) VCF-style: chr8-48801104-A-C.
Other names: c.4388T>G, p.Leu1463Arg (NM_001081640.2); short protein forms L1463R.
Identifiers: ClinVar variation 2449806 (VCV002449806.2), dbSNP rs2551873560, ClinGen allele CA371145484.
Genomic context (GRCh38, chr8:47,888,543, plus strand): 5'-CTAAAATAAATGTAAAAACAATAAGTTATAGTTACCTGAGACGGTAATATATTATGCAGA[A>C]GCCCAGCTCTGTGAAGCTGTTTACAGGCAGACACAACAGCAGCCAGCCTGCTCCTGTCCA-3'
Protein context (NP_008835.5, residues 1453-1473): SACKQLHRAG[Leu1463Arg]LHNILPSQST

ClinVar aggregate classification (germline): Uncertain significance (1 of 4 stars; one submission).

Submission:

Ambry Genetics
Classification: Uncertain significance. Last evaluated: 2022-11-05. Review status: criteria provided, single submitter. Criteria: Ambry Variant Classification Scheme 2023. Collection method: clinical testing. Allele origin: germline.
Comment: The p.L1463R variant (also known as c.4388T>G), located in coding exon 34 of the PRKDC gene, results from a T to G substitution at nucleotide position 4388. The leucine at codon 1463 is replaced by arginine, an amino acid with dissimilar properties. This amino acid position is conserved. Since supporting evidence is limited at this time, the clinical significance of this alteration remains unclear.